The following is an entry in ClinVar:

NM_002474.3(MYH11):c.4760A>G (p.Asn1587Ser)

Genes: MYH11 (myosin heavy chain 11; minus strand), NDE1 (nudE neurodevelopment protein 1; plus strand). Cytogenetic location: 16p13.11.
Variant type: single nucleotide variant.
Coding change: c.4760A>G on transcript NM_002474.3 (MANE Select); coding-DNA position 4760, A replaced by G.
Protein change: p.Asn1587Ser; replaces asparagine 1587 with serine.
Molecular consequence: missense variant. On other transcripts: intron variant (2).
Genome position (GRCh38, 1-based): chr16:15,720,870, T>C on the plus strand (A>G on the coding strand, the complement: MYH11 is on the minus strand). VCF-style: chr16-15720870-T-C. GRCh37 (hg19) VCF-style: chr16-15814727-T-C.
Other names: c.4781A>G, p.Asn1594Ser (NM_001040113.2, NM_001040114.2); c.4760A>G, p.Asn1587Ser (NM_022844.3); c.948-3321T>C (NM_001143979.2, NM_017668.3); short protein forms N1587S, N1594S.
Identifiers: ClinVar variation 3073418 (VCV003073418.1), dbSNP rs2506120205, ClinGen allele CA394853467.

ClinVar aggregate classification (germline): Uncertain significance (1 of 4 stars; one submission).

Conditions:
Familial thoracic aortic aneurysm and aortic dissection (TAAD). Also called: Thoracic aortic aneurysms and dissections. Identifiers: Orphanet 91387, MedGen C4707243, MONDO:0019625.

Submission:

All of Us Research Program, National Institutes of Health
Classification: Uncertain significance for Familial thoracic aortic aneurysm and aortic dissection. Last evaluated: 2023-09-17. Review status: criteria provided, single submitter. Criteria: ACMG Guidelines, 2015. Collection method: clinical testing. Allele origin: germline. Inheritance: Autosomal dominant inheritance. Observed: 1 variant allele, 1 heterozygote.
Comment: This missense variant replaces asparagine with serine at codon 1594 of the MYH11 protein. Computational prediction suggests that this variant may not impact protein structure and function (internally defined REVEL score threshold <= 0.5, PMID: 27666373). To our knowledge, functional studies have not been reported for this variant. This variant has not been reported in individuals affected with MYH11-related disorders in the literature. This variant has not been identified in the general population by the Genome Aggregation Database (gnomAD). The available evidence is insufficient to determine the role of this variant in disease conclusively. Therefore, this variant is classified as a Variant of Uncertain Significance.

This study involves interpretation of variants in research participants for the purpose of population health screening. Participant phenotype was not available at the time of variant classification. Additional details can be found in publication PMID: 35346344, PMCID: PMC8962531